The following is an entry in ClinVar:

NM_018344.6(SLC29A3):c.862T>A (p.Ser288Thr)

Gene: SLC29A3 (solute carrier family 29 member 3; plus strand). Cytogenetic location: 10q22.1.
Variant type: single nucleotide variant.
Coding change: c.862T>A on transcript NM_018344.6 (MANE Select); coding-DNA position 862, T replaced by A.
Protein change: p.Ser288Thr; replaces serine 288 with threonine.
Molecular consequence: missense variant. On other transcripts: 3 prime UTR variant (1), non-coding transcript variant (2).
Genome position (GRCh38, 1-based): chr10:71,362,042, T>A. VCF-style: chr10-71362042-T-A. GRCh37 (hg19) VCF-style: chr10-73121799-T-A.
Other names: c.*91T>A (NM_001174098.2); c.628T>A, p.Ser210Thr (NM_001363518.2); short protein forms S288T, S210T.
Identifiers: ClinVar variation 566799 (VCV000566799.7), dbSNP rs368747183, ClinGen allele CA5543069.

ClinVar aggregate classification (germline): Uncertain significance. Review status: criteria provided, multiple submitters, no conflicts (2 of 4 stars). 2 submissions from 2 submitters: Uncertain significance (2). Last evaluated 2025-09-27.

Conditions:
Inborn genetic diseases. Identifiers: MedGen C0950123, MeSH D030342.
H syndrome. Also called: FAISALABAD HISTIOCYTOSIS; Histiocytosis with joint contractures and sensorineural deafness; Asrar Facharzt Haque syndrome; HISTIOCYTOSIS AND LYMPHADENOPATHY WITH OR WITHOUT CUTANEOUS, CARDIAC, AND/OR ENDOCRINE FEATURES, JOINT CONTRACTURES, AND/OR DEAFNESS; HYPERPIGMENTATION, CUTANEOUS, WITH HYPERTRICHOSIS, HEPATOSPLENOMEGALY, HEART ANOMALIES, AND HYPOGONADISM WITH OR WITHOUT HEARING LOSS; PIGMENTED HYPERTRICHOSIS WITH INSULIN-DEPENDENT DIABETES MELLITUS. Identifiers: Orphanet 168569, MedGen C1864445, MONDO:0011273, OMIM 602782.

Allele frequency attached by ClinVar (database versions not stated): ExAC 0.00004; ESP Exome Variant Server 0.00008; gnomAD 0.00011; gnomAD exomes 0.00002; TOPMed 0.00018.
gnomAD v4.1: 36 of 1,614,042 alleles (0.0022%); highest among the groups gnomAD compares: African/African-American, 0.044%; no homozygotes.

Submissions (2):

Ambry Genetics
Classification: Uncertain significance for Inborn genetic diseases. Last evaluated: 2025-09-27. Review status: criteria provided, single submitter. Criteria: Ambry Variant Classification Scheme 2023. Collection method: clinical testing. Allele origin: germline.

Labcorp Genetics (formerly Invitae), Labcorp
Classification: Uncertain significance for H syndrome. Last evaluated: 2022-10-05. Review status: criteria provided, single submitter. Criteria: Invitae Variant Classification Sherloc (09022015). Collection method: clinical testing. Allele origin: germline.
Comment: This sequence change replaces serine, which is neutral and polar, with threonine, which is neutral and polar, at codon 288 of the SLC29A3 protein (p.Ser288Thr). This variant is present in population databases (rs368747183, gnomAD 0.02%). This variant has not been reported in the literature in individuals affected with SLC29A3-related conditions. ClinVar contains an entry for this variant (Variation ID: 566799). Advanced modeling of protein sequence and biophysical properties (such as structural, functional, and spatial information, amino acid conservation, physicochemical variation, residue mobility, and thermodynamic stability) performed at Invitae indicates that this missense variant is not expected to disrupt SLC29A3 protein function. In summary, the available evidence is currently insufficient to determine the role of this variant in disease. Therefore, it has been classified as a Variant of Uncertain Significance.